The following is an entry in ClinVar:

ClinVar aggregate classification (germline): Uncertain significance (1 of 4 stars; one submission).

Submission:

GeneDx
Classification: Uncertain significance. Last evaluated: 2024-12-10. Review status: criteria provided, single submitter. Criteria: GeneDx Variant Classification Process June 2021. Collection method: clinical testing. Allele origin: germline. Affected: yes.
Comment: Not observed at significant frequency in large population cohorts (gnomAD); In silico analysis supports that this missense variant has a deleterious effect on protein structure/function; Has not been previously published as pathogenic or benign to our knowledge

NM_007118.4(TRIO):c.2309A>G (p.Gln770Arg)

Gene: TRIO (trio Rho guanine nucleotide exchange factor; plus strand). Cytogenetic location: 5p15.2.
Variant type: single nucleotide variant.
Coding change: c.2309A>G on transcript NM_007118.4 (MANE Select); coding-DNA position 2309, A replaced by G.
Protein change: p.Gln770Arg; replaces glutamine 770 with arginine.
Molecular consequence: missense variant. On other transcripts: non-coding transcript variant (1).
Genome position (GRCh38, 1-based): chr5:14,359,449, A>G. VCF-style: chr5-14359449-A-G. GRCh37 (hg19) VCF-style: chr5-14359558-A-G.
Other names: short protein forms Q770R.
Identifiers: ClinVar variation 3903351 (VCV003903351.1).
Genomic context (GRCh38, chr5:14,359,449, plus strand): 5'-ACAACAGCTCCATCAACCACATTGAGACGGTGCTGCAGCAGCTGGACGAGGCGCAGTCGC[A>G]GATGGAGGAGCTCTTCCAGGAGCGCAAGATCAAGCTGGAGCTCTTCCTGCAGCTGCGCAT-3'
Protein context (NP_009049.2, residues 760-780): VLQQLDEAQS[Gln770Arg]MEELFQERKI